The following is an entry in ClinVar:

NM_001939.3(DRP2):c.1369C>T (p.Arg457Cys)

Gene: DRP2 (dystrophin related protein 2; plus strand). Cytogenetic location: Xq22.1.
Variant type: single nucleotide variant.
Coding change: c.1369C>T on transcript NM_001939.3 (MANE Select); coding-DNA position 1369, C replaced by T.
Protein change: p.Arg457Cys; replaces arginine 457 with cysteine.
Molecular consequence: missense variant.
Genome position (GRCh38, 1-based): chrX:101,248,205, C>T. VCF-style: chrX-101248205-C-T. GRCh37 (hg19) VCF-style: chrX-100503194-C-T.
Other names: c.1135C>T, p.Arg379Cys (NM_001171184.2); c.1369C>T (NM_001939.2); short protein forms R379C, R457C.
Identifiers: ClinVar variation 2907525 (VCV002907525.4), dbSNP rs144310243, ClinGen allele CA10472257.

ClinVar aggregate classification (germline): Uncertain significance. Review status: criteria provided, multiple submitters, no conflicts (2 of 4 stars). 2 submissions from 2 submitters: Uncertain significance (2). Last evaluated 2025-11-24.

Allele frequency attached by ClinVar (database versions not stated): gnomAD exomes 0.00001; TOPMed 0.00001; gnomAD 0.00002; ExAC 0.00003; ESP Exome Variant Server 0.00009.

Submissions (2):

Ambry Genetics
Classification: Uncertain significance. Last evaluated: 2025-11-24. Review status: criteria provided, single submitter. Criteria: Ambry Variant Classification Scheme 2023. Collection method: clinical testing. Allele origin: germline.

Labcorp Genetics (formerly Invitae), Labcorp
Classification: Uncertain significance. Last evaluated: 2023-03-18. Review status: criteria provided, single submitter. Criteria: Invitae Variant Classification Sherloc (09022015). Collection method: clinical testing. Allele origin: germline.
Comment: In summary, the available evidence is currently insufficient to determine the role of this variant in disease. Therefore, it has been classified as a Variant of Uncertain Significance. Advanced modeling of protein sequence and biophysical properties (such as structural, functional, and spatial information, amino acid conservation, physicochemical variation, residue mobility, and thermodynamic stability) performed at Invitae indicates that this missense variant is not expected to disrupt DRP2 protein function. This variant has not been reported in the literature in individuals affected with DRP2-related conditions. This variant is present in population databases (rs144310243, gnomAD 0.007%). This sequence change replaces arginine, which is basic and polar, with cysteine, which is neutral and slightly polar, at codon 457 of the DRP2 protein (p.Arg457Cys).